The following is an entry in ClinVar:

NM_000057.4(BLM):c.1798C>T (p.Leu600Phe)

Gene: BLM (BLM RecQ like helicase; plus strand). Cytogenetic location: 15q26.1.
Variant type: single nucleotide variant.
Coding change: c.1798C>T on transcript NM_000057.4 (MANE Select); coding-DNA position 1798, C replaced by T.
Protein change: p.Leu600Phe; replaces leucine 600 with phenylalanine.
Molecular consequence: missense variant.
Genome position (GRCh38, 1-based): chr15:90,761,171, C>T. VCF-style: chr15-90761171-C-T. GRCh37 (hg19) VCF-style: chr15-91304401-C-T.
Other names: c.1798C>T, p.Leu600Phe (NM_001287246.2, NM_001287247.2); c.673C>T, p.Leu225Phe (NM_001287248.2); short protein forms L225F, L600F.
Identifiers: ClinVar variation 851499 (VCV000851499.9), dbSNP rs1466022684, ClinGen allele CA393843865.
Genomic context (GRCh38, chr15:90,761,171, plus strand): 5'-TCCACAGCTGCCTATCAACCCATCAAGGAAGGTCGGCCAATTAAATCAGTATCAGAAAGA[C>T]TTTCCTCAGCCAAGACAGACTGTCTTCCAGTGTCATCTACTGCTCAAAATATAAACTTCT-3'
Protein context (NP_000048.1, residues 590-610): GRPIKSVSER[Leu600Phe]SSAKTDCLPV

ClinVar aggregate classification (germline): Uncertain significance (1 of 4 stars; one submission).

Conditions:
Bloom syndrome (BLM). Also called: Bloom-Torre-Machacek syndrome. Identifiers: Orphanet 125, MedGen C0005859, MONDO:0008876, OMIM 210900.

Allele frequency attached by ClinVar (database versions not stated): TOPMed below 0.00001.
gnomAD v4.1: 1 of 1,530,094 alleles (0.000065%); highest among the groups gnomAD compares: East Asian, 0.0023%; no homozygotes.

Submission:

Labcorp Genetics (formerly Invitae), Labcorp
Classification: Uncertain significance for Bloom syndrome. Last evaluated: 2024-11-26. Review status: criteria provided, single submitter. Criteria: Invitae Variant Classification Sherloc (09022015). Collection method: clinical testing. Allele origin: germline.
Comment: This sequence change replaces leucine, which is neutral and non-polar, with phenylalanine, which is neutral and non-polar, at codon 600 of the BLM protein (p.Leu600Phe). This variant is not present in population databases (gnomAD no frequency). This variant has not been reported in the literature in individuals affected with BLM-related conditions. ClinVar contains an entry for this variant (Variation ID: 851499). Invitae Evidence Modeling of protein sequence and biophysical properties (such as structural, functional, and spatial information, amino acid conservation, physicochemical variation, residue mobility, and thermodynamic stability) indicates that this missense variant is not expected to disrupt BLM protein function with a negative predictive value of 80%. In summary, the available evidence is currently insufficient to determine the role of this variant in disease. Therefore, it has been classified as a Variant of Uncertain Significance.